The following is an entry in ClinVar:

NM_001381902.1(SAGE1):c.1200T>C (p.Asp400=)

Gene: SAGE1 (sarcoma antigen 1; plus strand). Cytogenetic location: Xq26.3.
Variant type: single nucleotide variant.
Coding change: c.1200T>C on transcript NM_001381902.1 (MANE Select); coding-DNA position 1200, T replaced by C.
Protein change: p.Asp400=; no amino-acid change (aspartic acid 400 retained).
Molecular consequence: synonymous variant.
Genome position (GRCh38, 1-based): chrX:135,908,129, T>C. VCF-style: chrX-135908129-T-C. GRCh37 (hg19) VCF-style: chrX-134990288-T-C.
Other names: c.1200T>C, p.Asp400= (NM_018666.3).
Identifiers: ClinVar variation 3042368 (VCV003042368.2), dbSNP rs144682113, ClinGen allele CA10524127.
Genomic context (GRCh38, chrX:135,908,129, plus strand): 5'-CAACTACATTTGGTTTCCAGATGCTACCATCATTCACAATCTGCGTGAAGAGAAGAAAGA[T>C]AACAGCCAACCAACCCCTGATAACGTCTTGTCAGCTGTTACACCAGAGCTTATTAACTTG-3'
Protein context (NP_001368831.1, residues 390-410): IIHNLREEKK[Asp400=]NSQPTPDNVL

ClinVar aggregate classification (germline): Likely benign (0 of 4 stars; one submission).

Conditions:
SAGE1-related disorder. Also called: SAGE1-related condition.

Allele frequency attached by ClinVar (database versions not stated): 1000 Genomes Project 30x 0.00021; 1000 Genomes Project 0.00026; TOPMed 0.00147; gnomAD 0.00152; ESP Exome Variant Server 0.00180; ExAC 0.00187; gnomAD exomes 0.00305.
gnomAD v4.1: 3,446 of 1,207,762 alleles (0.29%); highest among the groups gnomAD compares: Non-Finnish European, 0.36%; 8 homozygotes.

Submission:

PreventionGenetics, part of Exact Sciences
Classification: Likely benign for SAGE1-related condition. Last evaluated: 2019-12-05. Review status: no assertion criteria provided. Collection method: clinical testing. Allele origin: germline.
Comment: This variant is classified as likely benign based on ACMG/AMP sequence variant interpretation guidelines (Richards et al. 2015 PMID: 25741868, with internal and published modifications).